The following is an entry in ClinVar:

ClinVar aggregate classification (germline): Uncertain significance (1 of 4 stars; one submission).

Allele frequency attached by ClinVar (database versions not stated): gnomAD exomes below 0.00001.
gnomAD v4.1: 4 of 1,614,098 alleles (0.00025%); highest among the groups gnomAD compares: Non-Finnish European, 0.00025%; no homozygotes.

Submission:

GeneDx
Classification: Uncertain significance. Last evaluated: 2023-11-10. Review status: criteria provided, single submitter. Criteria: GeneDx Variant Classification Process June 2021. Collection method: clinical testing. Allele origin: germline.
Comment: Not observed at significant frequency in large population cohorts (gnomAD); In silico analysis supports that this missense variant does not alter protein structure/function; Has not been previously published as pathogenic or benign to our knowledge

NM_001386298.1(CIC):c.3731C>T (p.Ser1244Phe)

Gene: CIC (capicua transcriptional repressor; plus strand). Cytogenetic location: 19q13.2.
Variant type: single nucleotide variant.
Coding change: c.3731C>T on transcript NM_001386298.1 (MANE Select); coding-DNA position 3731, C replaced by T.
Protein change: p.Ser1244Phe; replaces serine 1244 with phenylalanine.
Molecular consequence: missense variant.
Genome position (GRCh38, 1-based): chr19:42,288,960, C>T. VCF-style: chr19-42288960-C-T. GRCh37 (hg19) VCF-style: chr19-42793112-C-T.
Other names: c.3731C>T, p.Ser1244Phe (NM_001304815.2, NM_001379480.1, NM_001379482.1 and 1 more transcripts); c.1004C>T, p.Ser335Phe (NM_001379484.1, NM_001379485.1, NM_015125.5); short protein forms S1244F, S335F.
Identifiers: ClinVar variation 2498036 (VCV002498036.2), dbSNP rs200388659, ClinGen allele CA308628762.